The following is an entry in ClinVar:

NM_000057.4(BLM):c.1943G>C (p.Ser648Thr)

Gene: BLM (BLM RecQ like helicase; plus strand). Cytogenetic location: 15q26.1.
Variant type: single nucleotide variant.
Coding change: c.1943G>C on transcript NM_000057.4 (MANE Select); coding-DNA position 1943, G replaced by C.
Protein change: p.Ser648Thr; replaces serine 648 with threonine.
Molecular consequence: missense variant.
Genome position (GRCh38, 1-based): chr15:90,763,026, G>C. VCF-style: chr15-90763026-G-C. GRCh37 (hg19) VCF-style: chr15-91306256-G-C.
Other names: c.1943G>C, p.Ser648Thr (NM_001287246.2, NM_001287247.2); c.818G>C, p.Ser273Thr (NM_001287248.2); short protein forms S273T, S648T.
Identifiers: ClinVar variation 3224140 (VCV003224140.1), dbSNP rs2505434742, ClinGen allele CA393844191.

ClinVar aggregate classification (germline): Uncertain significance (1 of 4 stars; one submission).

Conditions:
Hereditary cancer-predisposing syndrome. Also called: Tumor predisposition; Hereditary neoplastic syndrome; Hereditary Cancer Syndrome; Neoplastic Syndromes, Hereditary. Identifiers: Orphanet 140162, MedGen C0027672, MeSH D009386, MONDO:0015356.

Submission:

Ambry Genetics
Classification: Uncertain significance for Hereditary cancer-predisposing syndrome. Last evaluated: 2024-03-06. Review status: criteria provided, single submitter. Criteria: Ambry Variant Classification Scheme 2023. Collection method: clinical testing. Allele origin: germline.
Comment: The p.S648T variant (also known as c.1943G>C), located in coding exon 7 of the BLM gene, results from a G to C substitution at nucleotide position 1943. The serine at codon 648 is replaced by threonine, an amino acid with similar properties. This amino acid position is conserved. In addition, this alteration is predicted to be tolerated by in silico analysis. Based on the available evidence, the clinical significance of this alteration remains unclear.